The following is an entry in ClinVar:

NM_002519.3(NPAT):c.499C>G (p.Pro167Ala)

Gene: NPAT (nuclear protein, coactivator of histone transcription; minus strand). Cytogenetic location: 11q22.3.
Variant type: single nucleotide variant.
Coding change: c.499C>G on transcript NM_002519.3 (MANE Select); coding-DNA position 499, C replaced by G.
Protein change: p.Pro167Ala; replaces proline 167 with alanine.
Molecular consequence: missense variant.
Genome position (GRCh38, 1-based): chr11:108,189,163, G>C on the plus strand (C>G on the coding strand, the complement: NPAT is on the minus strand). VCF-style: chr11-108189163-G-C. GRCh37 (hg19) VCF-style: chr11-108059890-G-C.
Other names: c.499C>G (NM_002519.2); c.499C>G, p.Pro167Ala (NM_001321307.1); short protein forms P167A.
Identifiers: ClinVar variation 2054166 (VCV002054166.5), dbSNP rs1329674814, ClinGen allele CA382524304.
Genomic context (GRCh38, chr11:108,189,163, plus strand): 5'-TACTGGTTACAGTATCTTGTGACTGTGAGTGGTTGACCACTACAAAATATGACCTCGATG[G>C]ATCTGAAATTTGGCCACTTGGTCGAGTAACCTGTGTACCTGTGGAAGGAGGAGTGGTAAA-3'
Protein context (NP_002510.2, residues 157-177): VTRPSGQISD[Pro167Ala]SRSYFVVVNH

ClinVar aggregate classification (germline): Uncertain significance. Review status: criteria provided, multiple submitters, no conflicts (2 of 4 stars). 2 submissions from 2 submitters: Uncertain significance (2). Last evaluated 2025-03-15.

Allele frequency attached by ClinVar (database versions not stated): TOPMed below 0.00001; gnomAD exomes below 0.00001.

Submissions (2):

Ambry Genetics
Classification: Uncertain significance. Last evaluated: 2025-03-15. Review status: criteria provided, single submitter. Criteria: Ambry Variant Classification Scheme 2023. Collection method: clinical testing. Allele origin: germline.

Labcorp Genetics (formerly Invitae), Labcorp
Classification: Uncertain significance. Last evaluated: 2024-08-31. Review status: criteria provided, single submitter. Criteria: Invitae Variant Classification Sherloc (09022015). Collection method: clinical testing. Allele origin: germline.
Comment: This sequence change replaces proline, which is neutral and non-polar, with alanine, which is neutral and non-polar, at codon 167 of the NPAT protein (p.Pro167Ala). This variant is present in population databases (no rsID available, gnomAD 0.003%). This variant has not been reported in the literature in individuals affected with NPAT-related conditions. ClinVar contains an entry for this variant (Variation ID: 2054166). An algorithm developed to predict the effect of missense changes on protein structure and function (PolyPhen-2) suggests that this variant is likely to be disruptive. In summary, the available evidence is currently insufficient to determine the role of this variant in disease. Therefore, it has been classified as a Variant of Uncertain Significance.